The following is an entry in ClinVar:

ClinVar aggregate classification (germline): Uncertain significance (1 of 4 stars; one submission).

Submission:

Labcorp Genetics (formerly Invitae), Labcorp
Classification: Uncertain significance. Last evaluated: 2025-03-18. Review status: criteria provided, single submitter. Criteria: Invitae Variant Classification Sherloc (09022015). Collection method: clinical testing. Allele origin: germline.
Comment: This sequence change replaces methionine, which is neutral and non-polar, with leucine, which is neutral and non-polar, at codon 170 of the TUBB1 protein (p.Met170Leu). This variant is present in population databases (no rsID available, gnomAD 0.003%). This variant has not been reported in the literature in individuals affected with TUBB1-related conditions. ClinVar contains an entry for this variant (Variation ID: 2017908). An algorithm developed to predict the effect of missense changes on protein structure and function outputs the following: PolyPhen-2: "Benign". The leucine amino acid residue is found in multiple mammalian species, which suggests that this missense change does not adversely affect protein function. In summary, the available evidence is currently insufficient to determine the role of this variant in disease. Therefore, it has been classified as a Variant of Uncertain Significance.

NM_030773.4(TUBB1):c.508A>T (p.Met170Leu)

Gene: TUBB1 (tubulin beta 1 class VI; plus strand). Cytogenetic location: 20q13.32.
Variant type: single nucleotide variant.
Coding change: c.508A>T on transcript NM_030773.4 (MANE Select); coding-DNA position 508, A replaced by T.
Protein change: p.Met170Leu; replaces methionine 170 with leucine.
Molecular consequence: missense variant.
Genome position (GRCh38, 1-based): chr20:59,023,935, A>T. VCF-style: chr20-59023935-A-T. GRCh37 (hg19) VCF-style: chr20-57598990-A-T.
Other names: short protein forms M170L.
Identifiers: ClinVar variation 2017908 (VCV002017908.4), dbSNP rs754172049, ClinGen allele CA409467080.